The following is an entry in ClinVar:

ClinVar aggregate classification (germline): Uncertain significance. Review status: criteria provided, multiple submitters, no conflicts (2 of 4 stars). 2 submissions from 2 submitters: Uncertain significance (2). Last evaluated 2022-07-19.

Allele frequency attached by ClinVar (database versions not stated): ESP Exome Variant Server 0.00008.
gnomAD v4.1: 9 of 1,613,944 alleles (0.00056%); highest among the groups gnomAD compares: Admixed American, 0.0033%; no homozygotes.

Submissions (2):

Labcorp Genetics (formerly Invitae), Labcorp
Classification: Uncertain significance. Last evaluated: 2022-07-19. Review status: criteria provided, single submitter. Criteria: Invitae Variant Classification Sherloc (09022015). Collection method: clinical testing. Allele origin: germline.
Comment: In summary, the available evidence is currently insufficient to determine the role of this variant in disease. Therefore, it has been classified as a Variant of Uncertain Significance. Algorithms developed to predict the effect of missense changes on protein structure and function are either unavailable or do not agree on the potential impact of this missense change (SIFT: "Not Available"; PolyPhen-2: "Probably Damaging"; Align-GVGD: "Not Available"). ClinVar contains an entry for this variant (Variation ID: 1373972). This variant has not been reported in the literature in individuals affected with MYO18B-related conditions. This variant is present in population databases (rs185152597, gnomAD 0.006%). This sequence change replaces arginine with glutamine at codon 1332 of the MYO18B protein (p.Arg1332Gln). The arginine residue is highly conserved and there is a small physicochemical difference between arginine and glutamine.

Breakthrough Genomics
Classification: Uncertain significance. Review status: criteria provided, single submitter. Criteria: ACMG Guidelines, 2015. Collection method: not provided. Allele origin: germline. Inheritance: Autosomal dominant inheritance. Affected: yes.

NM_032608.7(MYO18B):c.3995G>A (p.Arg1332Gln)

Gene: MYO18B (myosin XVIIIB; plus strand). Cytogenetic location: 22q12.1.
Variant type: single nucleotide variant.
Coding change: c.3995G>A on transcript NM_032608.7 (MANE Select); coding-DNA position 3995, G replaced by A.
Protein change: p.Arg1332Gln; replaces arginine 1332 with glutamine.
Molecular consequence: missense variant.
Genome position (GRCh38, 1-based): chr22:25,874,329, G>A. VCF-style: chr22-25874329-G-A. GRCh37 (hg19) VCF-style: chr22-26270296-G-A.
Other names: c.3998G>A, p.Arg1333Gln (NM_001318245.2); short protein forms R1333Q, R1332Q.
Identifiers: ClinVar variation 1373972 (VCV001373972.7), dbSNP rs185152597, ClinGen allele CA322792630.
Genomic context (GRCh38, chr22:25,874,329, plus strand): 5'-ACCTTCCCTCTCCCCAGGTTTTTCTCAAGGCAGGTGTGATCTCCAGGCTTGAGAAGCAGC[G>A]AGAGAAGCTGGTATCTCAGAGCATCGTTCTCTTCCAGGCGGCTTGCAAGGGCTTTCTGTC-3'
Protein context (NP_115997.5, residues 1322-1342): AGVISRLEKQ[Arg1332Gln]EKLVSQSIVL